The following is an entry in ClinVar:

ClinVar aggregate classification (germline): Uncertain significance. Review status: reviewed by expert panel (3 of 4 stars). 8 submissions from 6 submitters: Uncertain significance (1). 7 of the submissions do not count toward it. Last evaluated 2025-08-01.

Conditions:
Congenital multicore myopathy with external ophthalmoplegia (CMYO1B). Also called: MULTICORE MYOPATHY; Minicore myopathy with external ophthalmoplegia; Congenital myopathy 1B, autosomal recessive; Minicore myopathy; MULTIMINICORE DISEASE WITH EXTERNAL OPHTHALMOPLEGIA. Identifiers: Orphanet 598, Orphanet 98905, MedGen C1850674, MONDO:0009712, OMIM 255320, HP:0003789.
King Denborough syndrome (KDS). Identifiers: MedGen C1840365, MONDO:0020485, OMIM 619542.
Malignant hyperthermia, susceptibility to, 1 (MHS1). Also called: Anesthesia related hyperthermia; Malignant hyperpyrexia; Fulminating hyperpyrexia; Pharmacogenic myopathy; RYR1-Related Malignant Hyperthermia Susceptibility; Malignant hyperthermia suceptibility 1. Identifiers: Orphanet 423, MedGen C2930980, MONDO:0007783, OMIM 145600.
Congenital myopathy with fiber type disproportion. Also called: Congenital fiber-type disproportion myopathy; Congenital fiber-type disproportion. Identifiers: Orphanet 2020, MedGen C0546264, MONDO:0009711. Inheritance: all.
Central core myopathy (CMYO1A). Also called: CONGENITAL MYOPATHY 1A, AUTOSOMAL DOMINANT, WITH SUSCEPTIBILITY TO MALIGNANT HYPERTHERMIA; Central core disease; Myopathy, central fibrillar. Identifiers: Orphanet 597, MedGen C5830701, MONDO:0007294, OMIM 117000.
RYR1-related disorder. Also called: RYR1-related condition; RYR1-related disorders. Identifiers: MedGen CN239331.
Malignant hyperthermia of anesthesia. Also called: Anesthesic-triggered malignant hyperthermia. Identifiers: Orphanet 423, MedGen C0024591, MONDO:0018493, HP:0034733.

Allele frequency attached by ClinVar (database versions not stated): TOPMed below 0.00001; gnomAD 0.00001; ExAC 0.00002; gnomAD exomes 0.00002 and 0.00003.

Submissions (8):

ClinGen Malignant Hyperthermia Susceptibility Variant Curation Expert Panel, ClinGen
Classification: Uncertain significance for Malignant hyperthermia of anesthesia. Last evaluated: 2025-08-01. Review status: reviewed by expert panel. Criteria: ClinGen MHS ACMG Specifications V2. Collection method: curation. Allele origin: germline. Inheritance: Autosomal dominant inheritance.
Comment: This pathogenicity assessment is relevant only for malignant hyperthermia susceptibility (MHS) inherited in an autosomal dominant pattern. Variants in RYR1 can also cause other myopathies inherited in an autosomal dominant pattern or in an autosomal recessive pattern. Some of these disorders may predispose individuals to malignant hyperthermia. RYR1 variants may also contribute to a malignant hyperthermia reaction in combination with other genetic and non-genetic factors and the clinician needs to consider such factors in making management decisions. This sequence variant predicts a substitution of arginine with cysteine at codon 316 of the RYR1 protein, p.(Arg316Cys). The maximum allele frequency for this variant among the six major gnomAD populations is NFE: 0.0000349, a frequency consistent with pathogenicity for MHS. This variant has been reported in an individual with a personal or family history of an MH episode without a positive in vitro contracture test (IVCT) or caffeine halothane contracture test (CHCT) result, PS4 was not met (PMID:31304636). No functional studies were identified for this variant. This variant resides in a region of RYR1 considered to be a hotspot for pathogenic variants that contribute to MHS, PM1 (PMID: 21118704). A REVEL score of 0.793 supports neither a pathogenic nor a benign status for this variant. This variant has been classified as a Variant of Unknown Significance. Criteria implemented: PM1.

Labcorp Genetics (formerly Invitae), Labcorp
Classification: Uncertain significance for RYR1-related disorder. Last evaluated: 2025-04-08. Review status: criteria provided, single submitter. Criteria: Invitae Variant Classification Sherloc (09022015). Collection method: clinical testing. Allele origin: germline. Not counted in ClinVar's aggregate classification.
Comment: This sequence change replaces arginine, which is basic and polar, with cysteine, which is neutral and slightly polar, at codon 316 of the RYR1 protein (p.Arg316Cys). This variant is present in population databases (rs752652072, gnomAD 0.004%). This missense change has been observed in individual(s) with malignant hyperthemia (PMID: 31304636). ClinVar contains an entry for this variant (Variation ID: 889434). Invitae Evidence Modeling of protein sequence and biophysical properties (such as structural, functional, and spatial information, amino acid conservation, physicochemical variation, residue mobility, and thermodynamic stability) has been performed for this missense variant. However, the output from this modeling did not meet the statistical confidence thresholds required to predict the impact of this variant on RYR1 protein function. This variant disrupts the p.Arg316 amino acid residue in RYR1. Other variant(s) that disrupt this residue have been observed in individuals with RYR1-related conditions (PMID: 16917943), which suggests that this may be a clinically significant amino acid residue. In summary, the available evidence is currently insufficient to determine the role of this variant in disease. Therefore, it has been classified as a Variant of Uncertain Significance.

All of Us Research Program, National Institutes of Health
Classification: Uncertain significance for Malignant hyperthermia, susceptibility to, 1. Last evaluated: 2024-09-23. Review status: criteria provided, single submitter. Criteria: ACMG Guidelines, 2015. Collection method: clinical testing. Allele origin: germline. Inheritance: Autosomal dominant inheritance. Observed: 8 variant alleles, 8 heterozygotes. Not counted in ClinVar's aggregate classification.
Comment: This missense variant replaces arginine with cysteine at codon 316 of the RYR1 protein. Computational prediction suggests that this variant may have deleterious impact on protein structure and function (internally defined REVEL score threshold >= 0.7, PMID: 27666373). Although functional studies have not been reported for this variant, it occurs in a region of RYR1 considered to be a hotspot for pathogenic variants that contribute to malignant hyperthermia susceptibility (PMID: 21118704). This variant has been reported in one individual affected by a malignant hyperthermia episode (PMID: 31304636). This variant has been identified in 5/251194 chromosomes in the general population by the Genome Aggregation Database (gnomAD). The available evidence is insufficient to determine the role of this variant in disease conclusively. Therefore, this variant is classified as a Variant of Uncertain Significance.

This study involves interpretation of variants in research participants for the purpose of population health screening. Participant phenotype was not available at the time of variant classification. Additional details can be found in publication PMID: 35346344, PMCID: PMC8962531

GeneDx
Classification: Uncertain significance. Last evaluated: 2024-08-12. Review status: criteria provided, single submitter. Criteria: GeneDx Variant Classification Process June 2021. Collection method: clinical testing. Allele origin: germline. Affected: yes. Not counted in ClinVar's aggregate classification.
Comment: Not observed at significant frequency in large population cohorts (gnomAD); In silico analysis supports that this missense variant has a deleterious effect on protein structure/function; Observed in an individual with malignant hyperthermia (PMID: 31304636); This variant is associated with the following publications: (PMID: 33767344, 31304636)

Fulgent Genetics
Classification: Uncertain significance for Central core myopathy; Malignant hyperthermia, susceptibility to, 1; Congenital myopathy 4A, autosomal dominant; Congenital multicore myopathy with external ophthalmoplegia; King Denborough syndrome. Last evaluated: 2021-08-13. Review status: criteria provided, single submitter. Criteria: ACMG Guidelines, 2015. Collection method: clinical testing. Allele origin: unknown. Not counted in ClinVar's aggregate classification.

Illumina Laboratory Services, Illumina
Classification: Uncertain significance for Central core myopathy. Last evaluated: 2017-04-27. Review status: criteria provided, single submitter. Criteria: ICSL Variant Classification Criteria 13 December 2019. Collection method: clinical testing. Allele origin: germline. Not counted in ClinVar's aggregate classification.

Illumina Laboratory Services, Illumina
Classification: Uncertain significance for Malignant hyperthermia, susceptibility to, 1. Last evaluated: 2017-04-27. Review status: criteria provided, single submitter. Criteria: ICSL Variant Classification Criteria 13 December 2019. Collection method: clinical testing. Allele origin: germline. Not counted in ClinVar's aggregate classification.

Illumina Laboratory Services, Illumina
Classification: Uncertain significance for Congenital multicore myopathy with external ophthalmoplegia. Last evaluated: 2017-04-27. Review status: criteria provided, single submitter. Criteria: ICSL Variant Classification Criteria 13 December 2019. Collection method: clinical testing. Allele origin: germline. Not counted in ClinVar's aggregate classification.

Literature cited by the submitters: PubMed 31304636 (cited by Labcorp Genetics (formerly Invitae), Labcorp and All of Us Research Program, National Institutes of Health); PubMed 16917943 (cited by Labcorp Genetics (formerly Invitae), Labcorp); PubMed 21118704 (cited by All of Us Research Program, National Institutes of Health).

NM_000540.3(RYR1):c.946C>T (p.Arg316Cys)

Gene: RYR1 (ryanodine receptor 1; plus strand). Cytogenetic location: 19q13.2.
Variant type: single nucleotide variant.
Coding change: c.946C>T on transcript NM_000540.3 (MANE Select); coding-DNA position 946, C replaced by T.
Protein change: p.Arg316Cys; replaces arginine 316 with cysteine.
Molecular consequence: missense variant.
Genome position (GRCh38, 1-based): chr19:38,448,500, C>T. VCF-style: chr19-38448500-C-T. GRCh37 (hg19) VCF-style: chr19-38939140-C-T.
Other names: c.946C>T, p.Arg316Cys (NM_001042723.2); short protein forms R316C.
Identifiers: ClinVar variation 889434 (VCV000889434.18), dbSNP rs752652072, ClinGen allele CA073614.